The following is an entry in ClinVar:

NM_000466.3(PEX1):c.2726A>G (p.Glu909Gly)

Gene: PEX1 (peroxisomal biogenesis factor 1; minus strand). Cytogenetic location: 7q21.2.
Variant type: single nucleotide variant.
Coding change: c.2726A>G on transcript NM_000466.3 (MANE Select); coding-DNA position 2726, A replaced by G.
Protein change: p.Glu909Gly; replaces glutamic acid 909 with glycine.
Molecular consequence: missense variant.
Genome position (GRCh38, 1-based): chr7:92,496,770, T>C on the plus strand (A>G on the coding strand, the complement: PEX1 is on the minus strand). VCF-style: chr7-92496770-T-C. GRCh37 (hg19) VCF-style: chr7-92126084-T-C.
Other names: c.2555A>G, p.Glu852Gly (NM_001282677.2); c.2102A>G, p.Glu701Gly (NM_001282678.2); short protein forms E701G, E852G, E909G.
Identifiers: ClinVar variation 1715940 (VCV001715940.3), dbSNP rs2484646477, ClinGen allele CA368171220.

ClinVar aggregate classification (germline): Uncertain significance (1 of 4 stars; one submission).

Conditions:
Zellweger spectrum disorders (ZS). Also called: Zellweger syndrome; Zellweger Spectrum Disorder; Zellweger Spectrum; Zellweger Spectrum Disorder (ZSD). Identifiers: Orphanet 912, MedGen C0043459, MONDO:0019609.

Submission:

Labcorp Genetics (formerly Invitae), Labcorp
Classification: Uncertain significance for Zellweger spectrum disorders. Last evaluated: 2022-08-09. Review status: criteria provided, single submitter. Criteria: Invitae Variant Classification Sherloc (09022015). Collection method: clinical testing. Allele origin: germline.
Comment: This sequence change replaces glutamic acid, which is acidic and polar, with glycine, which is neutral and non-polar, at codon 909 of the PEX1 protein (p.Glu909Gly). This variant is not present in population databases (gnomAD no frequency). This variant has not been reported in the literature in individuals affected with PEX1-related conditions. Algorithms developed to predict the effect of missense changes on protein structure and function (SIFT, PolyPhen-2, Align-GVGD) all suggest that this variant is likely to be disruptive. In summary, the available evidence is currently insufficient to determine the role of this variant in disease. Therefore, it has been classified as a Variant of Uncertain Significance.